The following is an entry in ClinVar:

NM_001367916.1(MAGT1):c.7G>T (p.Ala3Ser)

Genes: MAGT1 (magnesium transporter 1; minus strand), LOC130068460 (ATAC-STARR-seq lymphoblastoid active region 29781; plus strand). Cytogenetic location: Xq21.1.
Variant type: single nucleotide variant.
Coding change: c.7G>T on transcript NM_001367916.1 (MANE Select); coding-DNA position 7, G replaced by T.
Protein change: p.Ala3Ser; replaces alanine 3 with serine.
Molecular consequence: missense variant.
Genome position (GRCh38, 1-based): chrX:77,895,404, C>A on the plus strand (G>T on the coding strand, the complement: MAGT1 is on the minus strand). VCF-style: chrX-77895404-C-A. GRCh37 (hg19) VCF-style: chrX-77150901-C-A.
Other names: c.103G>T, p.Ala35Ser (NM_032121.5); short protein forms A35S, A3S.
Identifiers: ClinVar variation 3905973 (VCV003905973.10).

ClinVar aggregate classification (germline): Uncertain significance (1 of 4 stars; one submission).

Submission:

CeGaT Center for Human Genetics Tuebingen
Classification: Uncertain significance. Last evaluated: 2025-05-01. Review status: criteria provided, single submitter. Criteria: CeGaT Center For Human Genetics Tuebingen Variant Classification Criteria Version 2. Collection method: clinical testing. Allele origin: germline. Affected: yes. Observed: 1 variant allele.
Comment: MAGT1: PM2, BP4